The following is an entry in ClinVar:

NM_004333.6(BRAF):c.527C>T (p.Thr176Ile)

Gene: BRAF (B-Raf proto-oncogene, serine/threonine kinase; minus strand). Cytogenetic location: 7q34.
Variant type: single nucleotide variant.
Coding change: c.527C>T on transcript NM_004333.6 (MANE Select); coding-DNA position 527, C replaced by T.
Protein change: p.Thr176Ile; replaces threonine 176 with isoleucine.
Molecular consequence: missense variant.
Genome position (GRCh38, 1-based): chr7:140,808,973, G>A on the plus strand (C>T on the coding strand, the complement: BRAF is on the minus strand). VCF-style: chr7-140808973-G-A. GRCh37 (hg19) VCF-style: chr7-140508773-G-A.
Other names: c.527C>T, p.Thr176Ile (NM_001354609.2, NM_001374244.1, NM_001374258.1 and 5 more transcripts); c.425C>T, p.Thr142Ile (NM_001378470.1); c.371C>T, p.Thr124Ile (NM_001378472.1, NM_001378473.1); c.263C>T, p.Thr88Ile (NM_001378475.1); short protein forms T176I, T124I, T142I, T88I.
Identifiers: ClinVar variation 505161 (VCV000505161.4), dbSNP rs780556975, ClinGen allele CA4516949.
Genomic context (GRCh38, chr7:140,808,973, plus strand): 5'-GCACAGCACTCTGGGATTAGACCTCTCATCATCAGTGCTTTCTTTAGACTGTCTCGGACT[G>A]TAACTCCACACCTTGCAGGTACCTATGGTATCATAAATATATTGATAAGAGGTAAAGGGA-3'
Protein context (NP_004324.2, residues 166-186): RTVVPARCGV[Thr176Ile]VRDSLKKALM

ClinVar aggregate classification (germline): Uncertain significance (1 of 4 stars; one submission).

Allele frequency attached by ClinVar (database versions not stated): ExAC 0.00001.
gnomAD v4.1: 1 of 1,612,690 alleles (0.000062%); highest among the groups gnomAD compares: Non-Finnish European, 0.000085%; no homozygotes.

Submission:

Laboratory for Molecular Medicine, Mass General Brigham Personalized Medicine
Classification: Uncertain significance. Last evaluated: 2016-06-14. Review status: criteria provided, single submitter. Criteria: LMM Criteria. Collection method: clinical testing. Allele origin: germline. Observed: 1 variant allele.
Comment: The p.Thr176Ile variant in BRAF has not been previously reported in individuals with RASopathy disorders, but it has been identified in 1/66662 European chromos omes by the Exome Aggregation Consortium (ExAC; dbSNP rs780556975). Although this variant has been seen in the general populatio n, its frequency is not high enough to rule out a pathogenic role. Computational prediction tools and conservation analysis do not provide strong support for or against an impact to the protein. In summary, the clinical significance of the p.Thr176Ile variant is uncertain.